The following is an entry in ClinVar:

NM_206933.4(USH2A):c.7595-3C>G

Gene: USH2A (usherin; minus strand). Cytogenetic location: 1q41.
Variant type: single nucleotide variant.
Coding change: c.7595-3C>G on transcript NM_206933.4 (MANE Select); 3 bases into the intron before coding-DNA position 7595, C replaced by G.
Molecular consequence: intron variant.
Genome position (GRCh38, 1-based): chr1:215,889,057, G>C on the plus strand (C>G on the coding strand, the complement: USH2A is on the minus strand). VCF-style: chr1-215889057-G-C. GRCh37 (hg19) VCF-style: chr1-216062399-G-C.
Other names: c.7595-3C>G (NM_206933.3).
Identifiers: ClinVar variation 197447 (VCV000197447.38), dbSNP rs201657446, ClinGen allele CA275270.

ClinVar aggregate classification (germline): Pathogenic/Likely pathogenic. Review status: criteria provided, multiple submitters, no conflicts (2 of 4 stars). 18 submissions from 16 submitters: Pathogenic (9); Likely pathogenic (5). 4 of the submissions do not count toward it. Last evaluated 2026-06-22.

Conditions:
Monogenic hearing loss.
Usher syndrome. Also called: Usher's syndrome; Usher Syndromes. Identifiers: Orphanet 886, MedGen CN469326, MeSH D052245, MONDO:0019501. Disease mechanism: loss of function.
USH2A-related disorder. Also called: USH2A-related condition; USH2A-related disorders. Identifiers: MedGen CN239332.
Retinal dystrophy. Also called: Inherited retinal dystrophy. Identifiers: Orphanet 71862, MedGen C0854723, MeSH D058499, MONDO:0019118, HP:0000556.
Retinitis pigmentosa 39 (RP39). Identifiers: Orphanet 791, MedGen C3151138, MONDO:0013436, OMIM 613809.
Usher syndrome type 2A. Also called: RETINAL DISEASE IN USHER SYNDROME TYPE IIA, MODIFIER OF; USHER SYNDROME, TYPE IIA. Identifiers: Orphanet 231178, Orphanet 886, MedGen C1848634, MONDO:0010169, OMIM 276901.
Retinal disorder. Also called: Retinal disorders; Retinopathies; Retinal Diseases; Retinopathy. Identifiers: MedGen C0035309, MONDO:0005283, HP:0000488.

Allele frequency attached by ClinVar (database versions not stated): gnomAD exomes 0.00001; gnomAD 0.00003; TOPMed 0.00003.
gnomAD v4.1: 121 of 1,613,146 alleles (0.0075%); highest among the groups gnomAD compares: Non-Finnish European, 0.01%; no homozygotes.

Submissions (18):

Victorian Clinical Genetics Services, Murdoch Childrens Research Institute
Classification: Pathogenic for Usher syndrome type 2A. Last evaluated: 2026-06-22. Review status: criteria provided, single submitter. Criteria: ACMG Guidelines, 2015. Collection method: clinical testing. Allele origin: germline.
Comment: This variant is classified as Pathogenic. Evidence in support of pathogenic classification: Non-canonical splice site variant without proven consequence on splicing. A minigene assay has shown that this variant causes the activation of a cryptic splice site leading to the out of frame inclusion of intronic nucleotides in exon 41. However, no data was shown to support these findings (PMID: 20052763); Variant is present in gnomAD <0.01 for a recessive condition (v4: 121 heterozygote(s), 0 homozygote(s)); This variant has strong previous evidence of pathogenicity in unrelated individuals. This variant has been classified as pathogenic and likely pathogenic by multiple clinical laboratories (ClinVar). Additional information: This variant is heterozygous; This gene is associated with autosomal recessive disease; Loss of function is a known mechanism of disease in this gene and is associated with Usher syndrome, type 2A (MIM#276901) and retinitis pigmentosa (RP; MIM#6138093). Null variants are associated with Usher syndrome, while homozygous missense variants which lead to partially functional proteins typically cause non-syndromic RP (PMID: 20301515); Heterozygous variant detected in trans with a second PATHOGENIC heterozygous variant (NM_206933.4(USH2A):c.5083del; p.(Ser1695Valfs*19)) in a recessive disease.

Genetics Laboratory, Great Ormond Street Hospital NHS Foundation Trust, North Thames Genomic Laboratory Hub
Classification: Pathogenic for Retinal disorders. Last evaluated: 2026-02-13. Review status: criteria provided, single submitter. Criteria: ACGS Best Practice Guidelines for Variant Classification in Rare Disease 2024 v1.2. Collection method: clinical testing. Allele origin: germline. Affected: yes.
Comment: PM2_moderate, PVS1_strong, PM3_strong

Genetics Laboratory, Great Ormond Street Hospital NHS Foundation Trust, North Thames Genomic Laboratory Hub
Classification: Pathogenic for Monogenic hearing loss. Last evaluated: 2026-02-13. Review status: criteria provided, single submitter. Criteria: ACGS Best Practice Guidelines for Variant Classification in Rare Disease 2024 v1.2. Collection method: clinical testing. Allele origin: germline. Affected: yes.
Comment: the same text as in the submission from Genetics Laboratory, Great Ormond Street Hospital NHS Foundation Trust, North Thames Genomic Laboratory Hub above.

GeneDx
Classification: Pathogenic. Last evaluated: 2026-02-10. Review status: criteria provided, single submitter. Criteria: GeneDx Variant Classification Process June 2021. Collection method: clinical testing. Allele origin: germline. Affected: yes.
Comment: Results in gain of a new acceptor splice site in intron 40; Published minigene assays demonstrate abnormal gene splicing with insertion of intronic sequence in the open reading frame, resulting in a frameshift and premature termination of translation (PMID: 20052763); Not observed at significant frequency in large population cohorts (gnomAD); In silico analysis supports a deleterious effect on splicing; This variant is associated with the following publications: (PMID: 25649381, 24944099, 27208204, 38219857, 37446072, 34758253, 25097241, 22135276, 27460420, 20052763, 17405132, 26969326, 28981474, 28041643, 32176120, 32581362, 31589614, 36011334, 34948090, 31816670, 35266249, 31964843, 36819107)

Labcorp Genetics (formerly Invitae), Labcorp
Classification: Pathogenic. Last evaluated: 2026-01-04. Review status: criteria provided, single submitter. Criteria: Invitae Variant Classification Sherloc (09022015). Collection method: clinical testing. Allele origin: germline.
Comment: This sequence change falls in intron 40 of the USH2A gene. It does not directly change the encoded amino acid sequence of the USH2A protein. It affects a nucleotide within the consensus splice site. This variant is present in population databases (rs201657446, gnomAD 0.002%). This variant has been observed in individual(s) with Usher syndrome type II (PMID: 17405132, 22135276, 24944099, 25097241, 26969326). In at least one individual the data is consistent with being in trans (on the opposite chromosome) from a pathogenic variant. ClinVar contains an entry for this variant (Variation ID: 197447). Variants that disrupt the consensus splice site are a relatively common cause of aberrant splicing (PMID: 17576681, 9536098). Studies have shown that this variant alters mRNA splicing and is expected to lead to the loss of protein expression (PMID: 20052763). For these reasons, this variant has been classified as Pathogenic.

Natera, Inc.
Classification: Pathogenic for Usher syndrome type 2A. Last evaluated: 2025-07-03. Review status: criteria provided, single submitter. Criteria: Natera Variant Classification Schema (03/2026). Collection method: clinical testing. Allele origin: germline.
Comment: The c.7595-3C>G variant in USH2A is an intronic variant located outside the canonical splice sites. This variant is rare in the general population with a frequency below the threshold expected for the associated phenotype(s). This variant has been observed in one or more individuals affected with the associated recessive disease, as either homozygous or compound heterozygous with a second variant (PMID: 27460420, 22135276). Computational prediction algorithms indicate this variant is likely to affect gene or protein function. Given the available evidence, this variant is classified as Pathogenic.

Fulgent Genetics
Classification: Pathogenic for Usher syndrome type 2A; Retinitis pigmentosa 39. Last evaluated: 2024-05-23. Review status: criteria provided, single submitter. Criteria: ACMG Guidelines, 2015. Collection method: clinical testing. Allele origin: germline.

Revvity Omics, Revvity
Classification: Likely pathogenic. Last evaluated: 2024-05-14. Review status: criteria provided, single submitter. Criteria: ACMG Guidelines, 2015. Collection method: clinical testing. Allele origin: germline.

Blueprint Genetics
Classification: Pathogenic for USH2A-related disorders. Last evaluated: 2024-03-02. Review status: criteria provided, single submitter. Criteria: ACMG Guidelines, 2015. Collection method: clinical testing. Allele origin: germline. Affected: yes. Observed: 5 variant alleles.

Baylor Genetics
Classification: Likely pathogenic for Retinitis pigmentosa 39. Last evaluated: 2023-12-20. Review status: criteria provided, single submitter. Criteria: ACMG Guidelines, 2015. Collection method: clinical testing. Allele origin: unknown.

Genome-Nilou Lab
Classification: Likely pathogenic for Retinitis pigmentosa 39. Last evaluated: 2023-04-11. Review status: criteria provided, single submitter. Criteria: ACMG Guidelines, 2015. Collection method: clinical testing. Allele origin: germline. Affected: no.

Genome-Nilou Lab
Classification: Likely pathogenic for Usher syndrome type 2A. Last evaluated: 2023-04-11. Review status: criteria provided, single submitter. Criteria: ACMG Guidelines, 2015. Collection method: clinical testing. Allele origin: germline. Affected: no.

Institute of Human Genetics, Univ. Regensburg, Univ. Regensburg
Classification: Pathogenic for Retinal dystrophy. Last evaluated: 2021-01-01. Review status: criteria provided, single submitter. Criteria: ACMG Guidelines, 2015. Collection method: clinical testing. Allele origin: germline. Affected: yes.

Eurofins Ntd Llc (ga)
Classification: Likely pathogenic. Last evaluated: 2014-06-26. Review status: criteria provided, single submitter. Criteria: EGL Classification Definitions 2015. Collection method: clinical testing. Allele origin: germline. Observed: 1 variant allele, 1 heterozygote.

PreventionGenetics, part of Exact Sciences
Classification: Pathogenic for USH2A-related condition. Last evaluated: 2024-08-20. Review status: no assertion criteria provided. Collection method: clinical testing. Allele origin: germline. Not counted in ClinVar's aggregate classification.
Comment: The USH2A c.7595-3C>G variant is predicted to interfere with splicing. This variant has been reported to be causative for autosomal recessive Usher syndrome type 2 (Baux et al. 2007. PubMed ID: 17405132; Sloan-Heggen et al. 2016. PubMed ID: 26969326; Le Guédard-Méreuze et al. 2010. PubMed ID: 20052763). Ex vivo splicing assays showed that this variant leads to aberrant splicing (Le Guédard-Méreuze et al. 2010. PubMed ID: 20052763). This variant is reported in 0.0027% of alleles in individuals of European (Non-Finnish) descent in gnomAD. This variant is interpreted as pathogenic.

Counsyl
Classification: Pathogenic for Usher syndrome type 2A; Retinitis pigmentosa 39. Last evaluated: 2017-09-12. Review status: no assertion criteria provided. Collection method: clinical testing. Allele origin: unknown. Not counted in ClinVar's aggregate classification.

NIHR Bioresource Rare Diseases, University of Cambridge
Classification: Likely pathogenic for Usher syndrome. Last evaluated: 2015-01-01. Review status: no assertion criteria provided. Collection method: research. Allele origin: unknown. Affected: yes. Observed: 1 variant allele. Not counted in ClinVar's aggregate classification.

Genomics England Pilot Project, Genomics England
Classification: Pathogenic for Usher syndrome type 2A. Review status: no assertion criteria provided. Criteria: ACGS Guidelines, 2016. Collection method: clinical testing. Allele origin: germline. Affected: yes. Not counted in ClinVar's aggregate classification.

Literature cited by the submitters: PubMed 20052763 (cited by 5 submitters); PubMed 20301515 (cited by Victorian Clinical Genetics Services, Murdoch Childrens Research Institute); PubMed 17405132 (cited by 5 submitters); PubMed 22135276 (cited by 4 submitters); PubMed 24944099 (cited by 3 submitters); PubMed 25097241 (cited by 3 submitters); PubMed 26969326 (cited by 3 submitters); PubMed 17576681 (cited by Labcorp Genetics (formerly Invitae), Labcorp); PubMed 9536098 (cited by Labcorp Genetics (formerly Invitae), Labcorp); PubMed 27460420 (cited by Natera, Inc. and Counsyl); PubMed 28981474 (cited by Institute of Human Genetics, Univ. Regensburg, Univ. Regensburg); PubMed 31589614 (cited by Institute of Human Genetics, Univ. Regensburg, Univ. Regensburg); PubMed 31964843 (cited by Institute of Human Genetics, Univ. Regensburg, Univ. Regensburg); PubMed 32176120 (cited by Institute of Human Genetics, Univ. Regensburg, Univ. Regensburg); PubMed 32581362 (cited by Institute of Human Genetics, Univ. Regensburg, Univ. Regensburg); PubMed 31816670 (cited by Institute of Human Genetics, Univ. Regensburg, Univ. Regensburg); PubMed 34948090 (cited by Institute of Human Genetics, Univ. Regensburg, Univ. Regensburg); PubMed 34758253 (cited by Institute of Human Genetics, Univ. Regensburg, Univ. Regensburg); PubMed 36011334 (cited by Institute of Human Genetics, Univ. Regensburg, Univ. Regensburg); PubMed 35266249 (cited by Institute of Human Genetics, Univ. Regensburg, Univ. Regensburg); PubMed 36819107 (cited by Institute of Human Genetics, Univ. Regensburg, Univ. Regensburg); PubMed 27208204 (cited by Counsyl); PubMed 25649381 (cited by Counsyl); PubMed 28041643 (cited by NIHR Bioresource Rare Diseases, University of Cambridge).